The following is an entry in ClinVar:

NM_003482.4(KMT2D):c.8229+4G>A

Gene: KMT2D (lysine methyltransferase 2D; minus strand). Cytogenetic location: 12q13.12.
Variant type: single nucleotide variant.
Coding change: c.8229+4G>A on transcript NM_003482.4 (MANE Select); 4 bases into the intron after coding-DNA position 8229, G replaced by A.
Molecular consequence: intron variant.
Genome position (GRCh38, 1-based): chr12:49,039,431, C>T on the plus strand (G>A on the coding strand, the complement: KMT2D is on the minus strand). VCF-style: chr12-49039431-C-T. GRCh37 (hg19) VCF-style: chr12-49433214-C-T.
Identifiers: ClinVar variation 3005689 (VCV003005689.3), dbSNP rs763880999, ClinGen allele CA6546895.

ClinVar aggregate classification (germline): Uncertain significance (1 of 4 stars; one submission).

Conditions:
Kabuki syndrome. Also called: Kabuki make-up syndrome; NIIKAWA-KUROKI SYNDROME. Identifiers: Orphanet 2322, MedGen C0796004, MONDO:0016512.

Allele frequency attached by ClinVar (database versions not stated): gnomAD 0.00001; ExAC 0.00004.
gnomAD v4.1: 25 of 1,599,540 alleles (0.0016%); highest among the groups gnomAD compares: Admixed American, 0.0085%; no homozygotes.

Submission:

Labcorp Genetics (formerly Invitae), Labcorp
Classification: Uncertain significance for Kabuki syndrome. Last evaluated: 2023-11-17. Review status: criteria provided, single submitter. Criteria: Invitae Variant Classification Sherloc (09022015). Collection method: clinical testing. Allele origin: germline.
Comment: This sequence change falls in intron 32 of the KMT2D gene. It does not directly change the encoded amino acid sequence of the KMT2D protein. It affects a nucleotide within the consensus splice site. This variant is present in population databases (rs763880999, gnomAD 0.01%). This variant has not been reported in the literature in individuals affected with KMT2D-related conditions. Variants that disrupt the consensus splice site are a relatively common cause of aberrant splicing (PMID: 17576681, 9536098). Algorithms developed to predict the effect of sequence changes on RNA splicing suggest that this variant is not likely to affect RNA splicing. In summary, the available evidence is currently insufficient to determine the role of this variant in disease. Therefore, it has been classified as a Variant of Uncertain Significance.

Literature cited by the submitters: PubMed 17576681; PubMed 9536098.